The following is an entry in ClinVar:

NM_152564.5(VPS13B):c.5220+8T>C

Gene: VPS13B (vacuolar protein sorting 13 homolog B; plus strand). Cytogenetic location: 8q22.2.
Variant type: single nucleotide variant.
Coding change: c.5220+8T>C on transcript NM_152564.5 (MANE Select); 8 bases into the intron after coding-DNA position 5220, T replaced by C.
Molecular consequence: intron variant.
Genome position (GRCh38, 1-based): chr8:99,577,641, T>C. VCF-style: chr8-99577641-T-C. GRCh37 (hg19) VCF-style: chr8-100589869-T-C.
Other names: c.5295+8T>C (NM_017890.5); c.5220+8T>C (NM_152564.4).
Identifiers: ClinVar variation 794367 (VCV000794367.16), dbSNP rs78899648, ClinGen allele CA4823777.

ClinVar aggregate classification (germline): Likely benign. Review status: criteria provided, multiple submitters, no conflicts (2 of 4 stars). 4 submissions from 4 submitters: Likely benign (2). 2 of the submissions do not count toward it. Last evaluated 2026-01-19.

Conditions:
Cohen syndrome (COH1). Also called: Cutis verticis gyrata, retinitis pigmentosa, and sensorineural deafness; PEPPER SYNDROME. Identifiers: Orphanet 193, MedGen C0265223, MONDO:0008999, OMIM 216550.
VPS13B-related disorder. Also called: VPS13B-related condition.

Allele frequency attached by ClinVar (database versions not stated): gnomAD 0.00001; TOPMed 0.00001; gnomAD exomes 0.00004 and 0.00006; ExAC 0.00006; 1000 Genomes Project 30x 0.00016; 1000 Genomes Project 0.00020.
gnomAD v4.1: 53 of 1,613,278 alleles (0.0033%); highest among the groups gnomAD compares: East Asian, 0.12%; no homozygotes.

Submissions (4):

Labcorp Genetics (formerly Invitae), Labcorp
Classification: Likely benign for Cohen syndrome. Last evaluated: 2026-01-19. Review status: criteria provided, single submitter. Criteria: Invitae Variant Classification Sherloc (09022015). Collection method: clinical testing. Allele origin: germline.

Blueprint Genetics
Classification: Likely benign. Last evaluated: 2023-08-03. Review status: criteria provided, single submitter. Criteria: ACMG Guidelines, 2015. Collection method: clinical testing. Allele origin: germline.

PreventionGenetics, part of Exact Sciences
Classification: Likely benign for VPS13B-related condition. Last evaluated: 2024-04-17. Review status: no assertion criteria provided. Collection method: clinical testing. Allele origin: germline. Not counted in ClinVar's aggregate classification.
Comment: This variant is classified as likely benign based on ACMG/AMP sequence variant interpretation guidelines (Richards et al. 2015 PMID: 25741868, with internal and published modifications).

Natera, Inc.
Classification: Likely benign for Cohen syndrome. Last evaluated: 2021-06-29. Review status: no assertion criteria provided. Collection method: clinical testing. Allele origin: germline. Not counted in ClinVar's aggregate classification.